The following is an entry in ClinVar:

ClinVar aggregate classification (germline): Likely pathogenic (1 of 4 stars; one submission).

Conditions:
Familial cancer of breast. Also called: BREAST CANCER, FAMILIAL; Hereditary breast cancer; hereditary breast carcinoma. Identifiers: Orphanet 227535, MedGen C0346153, MONDO:0016419, OMIM 114480. Disease mechanism: loss of function.

Submission:

Myriad Genetics, Inc.
Classification: Likely pathogenic for Familial cancer of breast. Last evaluated: 2024-03-14. Review status: criteria provided, single submitter. Criteria: Myriad Autosomal Dominant, Autosomal Recessive and X-Linked Classification Criteria (2023). Collection method: clinical testing. Allele origin: unknown.
Comment: This variant is considered likely pathogenic. This variant is expected to disrupt protein structure [Myriad internal data, PMID: 19782031, 16794575]. Functional studies indicate this variant impacts protein function [PMID: 19782031, 16794575, 37449874].

Literature cited by the submitters: PubMed 19782031; PubMed 16794575; PubMed 37449874.

NM_007194.4(CHEK2):c.1102G>C (p.Asp368His)

Gene: CHEK2 (checkpoint kinase 2; minus strand). Cytogenetic location: 22q12.1.
Variant type: single nucleotide variant.
Coding change: c.1102G>C on transcript NM_007194.4 (MANE Select); coding-DNA position 1102, G replaced by C.
Protein change: p.Asp368His; replaces aspartic acid 368 with histidine.
Molecular consequence: missense variant.
Genome position (GRCh38, 1-based): chr22:28,695,867, C>G on the plus strand (G>C on the coding strand, the complement: CHEK2 is on the minus strand). VCF-style: chr22-28695867-C-G. GRCh37 (hg19) VCF-style: chr22-29091855-C-G.
Other names: c.1231G>C, p.Asp411His (NM_001005735.3); c.439G>C, p.Asp147His (NM_001257387.3); c.901G>C, p.Asp301His (NM_001349956.3); c.1015G>C, p.Asp339His (NM_145862.3); short protein forms D339H, D147H, D368H, D301H, D411H.
Identifiers: ClinVar variation 3148809 (VCV003148809.1), dbSNP rs755127902, ClinGen allele CA411097186.